The following is an entry in ClinVar:

ClinVar aggregate classification (germline): Uncertain significance (1 of 4 stars; one submission).

Conditions:
Familial infantile myasthenia (CMS6). Also called: MYASTHENIC SYNDROME, PRESYNAPTIC, CONGENITAL, ASSOCIATED WITH EPISODIC APNEA; MYASTHENIC SYNDROME, CONGENITAL, 6, PRESYNAPTIC; Congenital myasthenic syndrome type 6. Identifiers: Orphanet 590, MedGen C0393929, MONDO:0009689, OMIM 254210.

Allele frequency attached by ClinVar (database versions not stated): gnomAD exomes below 0.00001.
gnomAD v4.1: 1 of 1,612,536 alleles (0.000062%); highest among the groups gnomAD compares: Non-Finnish European, 0.000085%; no homozygotes.

Submission:

Labcorp Genetics (formerly Invitae), Labcorp
Classification: Uncertain significance for Familial infantile myasthenia. Last evaluated: 2021-04-19. Review status: criteria provided, single submitter. Criteria: Invitae Variant Classification Sherloc (09022015). Collection method: clinical testing. Allele origin: germline.
Comment: This variant is not present in population databases (ExAC no frequency). This variant has not been reported in the literature in individuals with CHAT-related conditions. Advanced modeling of protein sequence and biophysical properties (such as structural, functional, and spatial information, amino acid conservation, physicochemical variation, residue mobility, and thermodynamic stability) performed at Invitae indicates that this missense variant is not expected to disrupt CHAT protein function. In summary, the available evidence is currently insufficient to determine the role of this variant in disease. Therefore, it has been classified as a Variant of Uncertain Significance. This sequence change replaces proline with leucine at codon 255 of the CHAT protein (p.Pro255Leu). The proline residue is highly conserved and there is a moderate physicochemical difference between proline and leucine.

NM_020549.5(CHAT):c.764C>T (p.Pro255Leu)

Gene: CHAT (choline O-acetyltransferase; plus strand). Cytogenetic location: 10q11.23.
Variant type: single nucleotide variant.
Coding change: c.764C>T on transcript NM_020549.5 (MANE Select); coding-DNA position 764, C replaced by T.
Protein change: p.Pro255Leu; replaces proline 255 with leucine.
Molecular consequence: missense variant.
Genome position (GRCh38, 1-based): chr10:49,625,484, C>T. VCF-style: chr10-49625484-C-T. GRCh37 (hg19) VCF-style: chr10-50833530-C-T.
Other names: c.410C>T, p.Pro137Leu (NM_001142929.2, NM_001142934.2, NM_020984.4 and 2 more transcripts); c.518C>T, p.Pro173Leu (NM_001142933.2); short protein forms P173L, P255L, P137L.
Identifiers: ClinVar variation 1484106 (VCV001484106.8), dbSNP rs2132727930, ClinGen allele CA376729606.